The following is an entry in ClinVar:

ClinVar aggregate classification (germline): Uncertain significance (1 of 4 stars; one submission).

Conditions:
Familial cold autoinflammatory syndrome 3 (FCAS3). Also called: ANTIBODY DEFICIENCY AND IMMUNE DYSREGULATION, PLCG2-ASSOCIATED; FAMILIAL ATYPICAL COLD URTICARIA. Identifiers: Orphanet 300359, MedGen C3280914, MONDO:0013766, OMIM 614468.

Submission:

Labcorp Genetics (formerly Invitae), Labcorp
Classification: Uncertain significance for Familial cold autoinflammatory syndrome 3. Last evaluated: 2023-02-18. Review status: criteria provided, single submitter. Criteria: Invitae Variant Classification Sherloc (09022015). Collection method: clinical testing. Allele origin: germline.
Comment: In summary, the available evidence is currently insufficient to determine the role of this variant in disease. Therefore, it has been classified as a Variant of Uncertain Significance. An algorithm developed to predict the effect of missense changes on protein structure and function (PolyPhen-2) suggests that this variant is likely to be disruptive. This variant has not been reported in the literature in individuals affected with PLCG2-related conditions. This variant is not present in population databases (gnomAD no frequency). This sequence change replaces threonine, which is neutral and polar, with serine, which is neutral and polar, at codon 602 of the PLCG2 protein (p.Thr602Ser).

NM_002661.5(PLCG2):c.1805C>G (p.Thr602Ser)

Gene: PLCG2 (phospholipase C gamma 2; plus strand). Cytogenetic location: 16q23.3.
Variant type: single nucleotide variant.
Coding change: c.1805C>G on transcript NM_002661.5 (MANE Select); coding-DNA position 1805, C replaced by G.
Protein change: p.Thr602Ser; replaces threonine 602 with serine.
Molecular consequence: missense variant.
Genome position (GRCh38, 1-based): chr16:81,910,591, C>G. VCF-style: chr16-81910591-C-G. GRCh37 (hg19) VCF-style: chr16-81944196-C-G.
Other names: c.1805C>G, p.Thr602Ser (NM_001425749.1, NM_001425750.1, NM_001425751.1); short protein forms T602S.
Identifiers: ClinVar variation 3005311 (VCV003005311.3), dbSNP rs2507674903, ClinGen allele CA396900919.